The following is an entry in ClinVar:

NM_000135.4(FANCA):c.1809_1811dup (p.Ile604dup)

Gene: FANCA (FA complementation group A; minus strand). Cytogenetic location: 16q24.3.
Variant type: Duplication.
Coding change: c.1809_1811dup on transcript NM_000135.4 (MANE Select); coding-DNA positions 1809 to 1811, 3 bases duplicated (TAT; older notation c.1809_1811dupTAT).
Protein change: p.Ile604dup; duplicates isoleucine 604.
Molecular consequence: inframe insertion.
Genome position (GRCh38, 1-based): chr16:89,778,816-89,778,818, ATA duplicated on the plus strand (TAT on the coding strand, the reverse complement: FANCA is on the minus strand); duplicating any 3 consecutive bases within chr16:89,778,816-89,778,819 gives the same sequence; the c. name uses the placement nearest the transcript's 3' end. VCF-style (leftmost placement, unchanged base first): chr16-89778815-T-TATA. GRCh37 (hg19) VCF-style: chr16-89845223-T-TATA.
Other names: c.1809_1811dup, p.Ile604dup (NM_001286167.3); c.1809_1811dupTAT (NM_000135.2).
Identifiers: ClinVar variation 1045448 (VCV001045448.10), dbSNP rs2039604604, ClinGen allele CA2241916513.

ClinVar aggregate classification (germline): Uncertain significance. Review status: criteria provided, multiple submitters, no conflicts (2 of 4 stars). 3 submissions from 3 submitters: Uncertain significance (2). 1 of the submissions does not count toward it. Last evaluated 2022-01-18.

Conditions:
Fanconi anemia (FA). Also called: Fanconi's anemia. Identifiers: Orphanet 84, MedGen C0015625, MeSH D005199, MONDO:0019391.

Submissions (3):

Labcorp Genetics (formerly Invitae), Labcorp
Classification: Uncertain significance for Fanconi anemia. Last evaluated: 2022-01-18. Review status: criteria provided, single submitter. Criteria: Invitae Variant Classification Sherloc (09022015). Collection method: clinical testing. Allele origin: germline.
Comment: This variant, c.1809_1811dup, results in the insertion of 1 amino acid(s) of the FANCA protein (p.Ile604dup), but otherwise preserves the integrity of the reading frame. This variant is not present in population databases (gnomAD no frequency). This variant has not been reported in the literature in individuals affected with FANCA-related conditions. ClinVar contains an entry for this variant (Variation ID: 1045448). Experimental studies and prediction algorithms are not available or were not evaluated, and the functional significance of this variant is currently unknown. In summary, the available evidence is currently insufficient to determine the role of this variant in disease. Therefore, it has been classified as a Variant of Uncertain Significance.

Sema4
Classification: Uncertain significance for Fanconi anemia. Last evaluated: 2022-01-06. Review status: criteria provided, single submitter. Criteria: Sema4 Curation Guidelines. Collection method: curation. Allele origin: germline.
Comment: The FANCA c.1809_1811dupTAT (p.I604dup) variant has not been reported in the literature to our knowledge. It was not observed in the large and broad cohorts of the Genome Aggregation Database (PMID: 32461654). The variant has been reported in ClinVar (Variation ID 1045448). The evidence is insufficient to meet ACMG/AMP criteria for classifying the variant as benign or pathogenic. Thus, the clinical significance of this variant is currently uncertain.

Natera, Inc.
Classification: Uncertain significance for Fanconi anemia. Last evaluated: 2020-08-20. Review status: no assertion criteria provided. Collection method: clinical testing. Allele origin: germline. Not counted in ClinVar's aggregate classification.